The following is an entry in ClinVar:

NM_198241.3(EIF4G1):c.42A>C (p.Pro14=)

Gene: EIF4G1 (eukaryotic translation initiation factor 4 gamma 1; plus strand). Cytogenetic location: 3q27.1.
Variant type: single nucleotide variant.
Coding change: c.42A>C on transcript NM_198241.3 (MANE Select); coding-DNA position 42, A replaced by C.
Protein change: p.Pro14=; no amino-acid change (proline 14 retained).
Molecular consequence: synonymous variant. On other transcripts: 5 prime UTR variant (1), intron variant (2).
Genome position (GRCh38, 1-based): chr3:184,315,838, A>C. VCF-style: chr3-184315838-A-C. GRCh37 (hg19) VCF-style: chr3-184033626-A-C.
Other names: c.42A>C, p.Pro14= (NM_001194946.2, NM_001194947.2, NM_182917.4); c.-139A>C (NM_001291157.2); c.-115+1164A>C (NM_198244.3); c.-169+1164A>C (NM_198242.3).
Identifiers: ClinVar variation 3049318 (VCV003049318.2), dbSNP rs1722671223, ClinGen allele CA437168830.

ClinVar aggregate classification (germline): Likely benign (0 of 4 stars; one submission).

Conditions:
EIF4G1-related disorder. Also called: EIF4G1-related condition.

Submission:

PreventionGenetics, part of Exact Sciences
Classification: Likely benign for EIF4G1-related condition. Last evaluated: 2019-10-31. Review status: no assertion criteria provided. Collection method: clinical testing. Allele origin: germline.
Comment: This variant is classified as likely benign based on ACMG/AMP sequence variant interpretation guidelines (Richards et al. 2015 PMID: 25741868, with internal and published modifications).